The following is an entry in ClinVar:

NM_005219.5(DIAPH1):c.194A>G (p.Asn65Ser)

Gene: DIAPH1 (diaphanous related formin 1; minus strand). Cytogenetic location: 5q31.3.
Variant type: single nucleotide variant.
Coding change: c.194A>G on transcript NM_005219.5 (MANE Select); coding-DNA position 194, A replaced by G.
Protein change: p.Asn65Ser; replaces asparagine 65 with serine.
Molecular consequence: missense variant.
Genome position (GRCh38, 1-based): chr5:141,587,148, T>C on the plus strand (A>G on the coding strand, the complement: DIAPH1 is on the minus strand). VCF-style: chr5-141587148-T-C. GRCh37 (hg19) VCF-style: chr5-140966715-T-C.
Other names: c.167A>G, p.Asn56Ser (NM_001079812.3); c.194A>G, p.Asn65Ser (NM_001314007.2); short protein forms N65S, N56S.
Identifiers: ClinVar variation 939350 (VCV000939350.9), dbSNP rs954518752, ClinGen allele CA128443951.
Genomic context (GRCh38, chr5:141,587,148, plus strand): 5'-TGCAATGACTGTGCTGTGGGATCATCCCCATATGATGCAGAAGAATTTCTATGAGCAGAA[T>C]TGGGCTTTTCCTTCTCCTTCTTAATTCTCATGCTGGTAAATCTCTCCAGCTGAGAAACAG-3'
Protein context (NP_005210.3, residues 55-75): MRIKKEKEKP[Asn65Ser]SAHRNSSASY

ClinVar aggregate classification (germline): Uncertain significance. Review status: criteria provided, multiple submitters, no conflicts (2 of 4 stars). 2 submissions from 2 submitters: Uncertain significance (2). Last evaluated 2025-10-18.

Conditions:
Inborn genetic diseases. Identifiers: MedGen C0950123, MeSH D030342.
Autosomal dominant nonsyndromic hearing loss 1. Also called: DEAFNESS, AUTOSOMAL DOMINANT 1, WITH OR WITHOUT THROMBOCYTOPENIA; KONIGSMARK SYNDROME. Identifiers: Orphanet 90635, MedGen C1852282, MONDO:0007424, OMIM 124900.
Progressive microcephaly-seizures-cortical blindness-developmental delay syndrome. Also called: Seizures, cortical blindness, and microcephaly syndrome. Identifiers: Orphanet 477814, MedGen C5567650, MONDO:0014714, OMIM 616632.

Allele frequency attached by ClinVar (database versions not stated): gnomAD exomes 0.00002; gnomAD 0.00003; TOPMed 0.00003.
gnomAD v4.1: 41 of 1,614,046 alleles (0.0025%); highest among the groups gnomAD compares: Middle Eastern, 0.016%; no homozygotes.

Submissions (2):

Ambry Genetics
Classification: Uncertain significance for Inborn genetic diseases. Last evaluated: 2025-10-18. Review status: criteria provided, single submitter. Criteria: Ambry Variant Classification Scheme 2023. Collection method: clinical testing. Allele origin: germline.

Labcorp Genetics (formerly Invitae), Labcorp
Classification: Uncertain significance for Progressive microcephaly-seizures-cortical blindness-developmental delay syndrome; Autosomal dominant nonsyndromic hearing loss 1. Last evaluated: 2025-05-01. Review status: criteria provided, single submitter. Criteria: Invitae Variant Classification Sherloc (09022015). Collection method: clinical testing. Allele origin: germline.
Comment: This sequence change replaces asparagine, which is neutral and polar, with serine, which is neutral and polar, at codon 65 of the DIAPH1 protein (p.Asn65Ser). This variant is present in population databases (no rsID available, gnomAD 0.003%). This variant has not been reported in the literature in individuals affected with DIAPH1-related conditions. ClinVar contains an entry for this variant (Variation ID: 939350). An algorithm developed to predict the effect of missense changes on protein structure and function outputs the following: PolyPhen-2: "Not Available". The serine amino acid residue is found in multiple mammalian species, which suggests that this missense change does not adversely affect protein function. In summary, the available evidence is currently insufficient to determine the role of this variant in disease. Therefore, it has been classified as a Variant of Uncertain Significance.